The following is an entry in ClinVar:

ClinVar aggregate classification (germline): Likely pathogenic. Review status: criteria provided, single submitter (1 of 4 stars). 2 submissions from 2 submitters: Likely pathogenic (1). 1 of the submissions does not count toward it. Last evaluated 2017-06-20.

Conditions:
Charcot-Marie-Tooth disease. Also called: Charcot-Marie-Tooth Hereditary Neuropathy; Charcot-Marie-Tooth Neuropathy. Identifiers: Orphanet 166, MedGen C0007959, MONDO:0015626.

Submissions (2):

Department of Human Genetics, University Hospital Magdeburg
Classification: Likely pathogenic for CMT. Last evaluated: 2017-06-20. Review status: criteria provided, single submitter. Criteria: ACMG Guidelines, 2015. Collection method: clinical testing. Allele origin: germline. Affected: yes. Observed: 2 hemizygotes.
Comment: Two affected brothers

Inherited Neuropathy Consortium
Classification: Uncertain significance for Charcot-Marie-Tooth disease. Review status: no assertion criteria provided. Collection method: literature only. Allele origin: germline. Affected: yes. Not counted in ClinVar's aggregate classification.

Literature cited by the submitters: PubMed 18379723 (cited by Inherited Neuropathy Consortium).

NM_000166.6(GJB1):c.50C>G (p.Ser17Cys)

Gene: GJB1 (gap junction protein beta 1; plus strand). Cytogenetic location: Xq13.1.
Variant type: single nucleotide variant.
Coding change: c.50C>G on transcript NM_000166.6 (MANE Select); coding-DNA position 50, C replaced by G.
Protein change: p.Ser17Cys; replaces serine 17 with cysteine.
Molecular consequence: missense variant.
Genome position (GRCh38, 1-based): chrX:71,223,757, C>G. VCF-style: chrX-71223757-C-G. GRCh37 (hg19) VCF-style: chrX-70443607-C-G.
Other names: c.50C>G, p.Ser17Cys (NM_001097642.3); short protein forms S17C.
Identifiers: ClinVar variation 444867 (VCV000444867.3), dbSNP rs1555937009, ClinGen allele CA413499562.
Genomic context (GRCh38, chrX:71,223,757, plus strand): 5'-AATGAGGCAGGATGAACTGGACAGGTTTGTACACCTTGCTCAGTGGCGTGAACCGGCATT[C>G]TACTGCCATTGGCCGAGTATGGCTCTCGGTCATCTTCATCTTCAGAATCATGGTGCTGGT-3'
Protein context (NP_000157.1, residues 7-27): YTLLSGVNRH[Ser17Cys]TAIGRVWLSV